The following is an entry in ClinVar:

ClinVar aggregate classification (germline): Pathogenic. Review status: criteria provided, multiple submitters, no conflicts (2 of 4 stars). 3 submissions from 3 submitters: Pathogenic (3). Last evaluated 2025-08-17.

Conditions:
Neurodevelopmental disorder. Identifiers: MedGen C1535926, MeSH D065886, MONDO:0700092.

Allele frequency attached by ClinVar (database versions not stated): ESP Exome Variant Server 0.00008; TOPMed 0.00004; gnomAD 0.00002; gnomAD exomes 0.00003; ExAC 0.00008.
gnomAD v4.1: 31 of 1,613,144 alleles (0.0019%); highest among the groups gnomAD compares: East Asian, 0.0045%; no homozygotes.

Submissions (3):

Labcorp Genetics (formerly Invitae), Labcorp
Classification: Pathogenic. Last evaluated: 2025-08-17. Review status: criteria provided, single submitter. Criteria: Invitae Variant Classification Sherloc (09022015). Collection method: clinical testing. Allele origin: germline.
Comment: This sequence change creates a premature translational stop signal (p.Arg129*) in the MICU1 gene. It is expected to result in an absent or disrupted protein product. Loss-of-function variants in MICU1 are known to be pathogenic (PMID: 24336167). This variant is present in population databases (rs369069489, gnomAD 0.009%). This premature translational stop signal has been observed in individual(s) with MICU1-related condition (PMID: 33969448). ClinVar contains an entry for this variant (Variation ID: 1701868). For these reasons, this variant has been classified as Pathogenic.

GeneDx
Classification: Pathogenic. Last evaluated: 2024-09-08. Review status: criteria provided, single submitter. Criteria: GeneDx Variant Classification Process June 2021. Collection method: clinical testing. Allele origin: germline. Affected: yes.
Comment: Nonsense variant predicted to result in protein truncation or nonsense mediated decay in a gene for which loss of function is a known mechanism of disease; Not observed at significant frequency in large population cohorts (gnomAD); This variant is associated with the following publications: (PMID: 36425804, 36936788, 38380193, 33969448, 33057194, 35982159)

Laboratory of Molecular Genetics (Pr. Bezieau's lab), CHU de Nantes
Classification: Pathogenic for Neurodevelopmental disorder. Last evaluated: 2022-03-22. Review status: criteria provided, single submitter. Criteria: ACMG Guidelines, 2015. Collection method: clinical testing. Allele origin: germline. Affected: yes.

Literature cited by the submitters: PubMed 24336167 (cited by Labcorp Genetics (formerly Invitae), Labcorp); PubMed 33969448 (cited by Labcorp Genetics (formerly Invitae), Labcorp).

NM_001195518.2(MICU1):c.385C>T (p.Arg129Ter)

Gene: MICU1 (mitochondrial calcium uptake 1; minus strand). Cytogenetic location: 10q22.1.
Variant type: single nucleotide variant.
Coding change: c.385C>T on transcript NM_001195518.2 (MANE Select); coding-DNA position 385, C replaced by T.
Protein change: p.Arg129Ter; replaces arginine 129 with a stop codon.
Molecular consequence: nonsense.
Genome position (GRCh38, 1-based): chr10:72,551,287, G>A on the plus strand (C>T on the coding strand, the complement: MICU1 is on the minus strand). VCF-style: chr10-72551287-G-A. GRCh37 (hg19) VCF-style: chr10-74311045-G-A.
Other names: c.385C>T, p.Arg129Ter (NM_001363513.2, NM_006077.4); short protein forms R129*.
Identifiers: ClinVar variation 1701868 (VCV001701868.5), dbSNP rs369069489, ClinGen allele CA5550284.